The following is an entry in ClinVar:

NM_000268.4(NF2):c.1376A>C (p.Gln459Pro)

Gene: NF2 (NF2, moesin-ezrin-radixin like (MERLIN) tumor suppressor; plus strand). Cytogenetic location: 22q12.2.
Variant type: single nucleotide variant.
Coding change: c.1376A>C on transcript NM_000268.4 (MANE Select); coding-DNA position 1376, A replaced by C.
Protein change: p.Gln459Pro; replaces glutamine 459 with proline.
Molecular consequence: missense variant. On other transcripts: intron variant (1), non-coding transcript variant (1).
Genome position (GRCh38, 1-based): chr22:29,674,871, A>C. VCF-style: chr22-29674871-A-C. GRCh37 (hg19) VCF-style: chr22-30070860-A-C.
Other names: c.448-19881A>C (NM_181833.3); c.1376A>C, p.Gln459Pro (NM_016418.5, NM_181825.3, NM_181832.3); c.1250A>C, p.Gln417Pro (NM_181828.3); c.1253A>C, p.Gln418Pro (NM_181829.3); c.1127A>C, p.Gln376Pro (NM_181830.3, NM_181831.3); short protein forms Q417P, Q376P, Q418P, Q459P.
Identifiers: ClinVar variation 1515656 (VCV001515656.8), dbSNP rs2147092623, ClinGen allele CA411148944.

ClinVar aggregate classification (germline): Uncertain significance (1 of 4 stars; one submission).

Conditions:
Neurofibromatosis, type 2 (SWNV). Also called: SCHWANNOMATOSIS, VESTIBULAR; BILATERAL ACOUSTIC NEUROFIBROMATOSIS; NF2-Related Schwannomatosis. Identifiers: Orphanet 637, MedGen C0027832, MONDO:0007039, OMIM 101000. Disease mechanism: loss of function.

Submission:

Labcorp Genetics (formerly Invitae), Labcorp
Classification: Uncertain significance for Neurofibromatosis, type 2. Last evaluated: 2021-04-27. Review status: criteria provided, single submitter. Criteria: Invitae Variant Classification Sherloc (09022015). Collection method: clinical testing. Allele origin: germline.
Comment: In summary, the available evidence is currently insufficient to determine the role of this variant in disease. Therefore, it has been classified as a Variant of Uncertain Significance. Algorithms developed to predict the effect of missense changes on protein structure and function are either unavailable or do not agree on the potential impact of this missense change (SIFT: "Tolerated"; PolyPhen-2: "Possibly Damaging"; Align-GVGD: "Class C0"). This variant has not been reported in the literature in individuals with NF2-related conditions. This variant is not present in population databases (ExAC no frequency). This sequence change replaces glutamine with proline at codon 459 of the NF2 protein (p.Gln459Pro). The glutamine residue is highly conserved and there is a moderate physicochemical difference between glutamine and proline.